The following is an entry in ClinVar:

ClinVar aggregate classification (germline): Uncertain significance (1 of 4 stars; one submission).

Conditions:
MRAP2-related disorder. Also called: MRAP2-related condition.

Allele frequency attached by ClinVar (database versions not stated): ExAC 0.00001; gnomAD 0.00001; TOPMed 0.00002.
gnomAD v4.1: 21 of 1,612,972 alleles (0.0013%); highest among the groups gnomAD compares: Admixed American, 0.005%; no homozygotes.

Submission:

PreventionGenetics, part of Exact Sciences
Classification: Uncertain significance for MRAP2-related condition. Last evaluated: 2026-05-06. Review status: criteria provided, single submitter. Criteria: ACMG Guidelines, 2015. Collection method: clinical testing. Allele origin: germline.
Comment: The MRAP2 c.7G>A variant is predicted to result in the amino acid substitution p.Ala3Thr. This variant was reported as a variant of uncertain significance in an individual classified as overweight (Baron et al. 2019. PubMed ID: 31700171; Wyatt et al. 2025. PubMed ID: 39807633). In addition, another variant affecting the same amino acid (c.7G>T, p.Ala3Ser) was reported as a variant of uncertain significance in the same study in two children and one adult with obesity (Baron et al. 2019. PubMed ID: 31700171). This variant is reported in 0.0029% of alleles in individuals of Latino descent in gnomAD. At this time, the clinical significance of this variant is uncertain due to the absence of conclusive functional and genetic evidence.

NM_138409.4(MRAP2):c.7G>A (p.Ala3Thr)

Gene: MRAP2 (melanocortin 2 receptor accessory protein 2; plus strand). Cytogenetic location: 6q14.2.
Variant type: single nucleotide variant.
Coding change: c.7G>A on transcript NM_138409.4 (MANE Select); coding-DNA position 7, G replaced by A.
Protein change: p.Ala3Thr; replaces alanine 3 with threonine.
Molecular consequence: missense variant. On other transcripts: 5 prime UTR variant (2).
Genome position (GRCh38, 1-based): chr6:84,055,325, G>A. VCF-style: chr6-84055325-G-A. GRCh37 (hg19) VCF-style: chr6-84765044-G-A.
Other names: c.-152G>A (NM_001346541.2); c.7G>A, p.Ala3Thr (NM_001346542.2, NM_001346544.2); c.-253G>A (NM_001346543.2); short protein forms A3T.
Identifiers: ClinVar variation 3060321 (VCV003060321.3), dbSNP rs748825454, ClinGen allele CA3909536.